The following is an entry in ClinVar:

NM_172240.3(POC1B):c.959del (p.Asp320fs)

Genes: POC1B (POC1 centriolar protein B; minus strand), POC1B-DUSP6 (POC1B-DUSP6 readthrough; minus strand). Cytogenetic location: 12q21.33.
Variant type: Deletion.
Coding change: c.959del on transcript NM_172240.3 (MANE Select); coding-DNA position 959, one base deleted (A; older notation c.959delA).
Protein change: p.Asp320fs; shifts the reading frame from aspartic acid 320.
Molecular consequence: frameshift variant. On other transcripts: non-coding transcript variant (2).
Genome position (GRCh38, 1-based): chr12:89,466,843, T deleted on the plus strand (A on the coding strand, the reverse complement: POC1B is on the minus strand). VCF-style (leftmost placement, unchanged base first): chr12-89466842-AT-A. GRCh37 (hg19) VCF-style: chr12-89860619-AT-A.
Other names: c.833del, p.Asp278fs (NM_001199777.2); c.959del, p.Asp320fs (NM_001425771.1, NM_001425772.1); c.569del, p.Asp190fs (NM_001425773.1); short protein forms D190fs, D278fs, D320fs.
Identifiers: ClinVar variation 3611635 (VCV003611635.2).

ClinVar aggregate classification (germline): Pathogenic (1 of 4 stars; one submission).

Submission:

Labcorp Genetics (formerly Invitae), Labcorp
Classification: Pathogenic. Last evaluated: 2024-11-16. Review status: criteria provided, single submitter. Criteria: Invitae Variant Classification Sherloc (09022015). Collection method: clinical testing. Allele origin: germline.
Comment: This sequence change creates a premature translational stop signal (p.Asp320Valfs*24) in the POC1B gene. It is expected to result in an absent or disrupted protein product. Loss-of-function variants in POC1B are known to be pathogenic (PMID: 25018096, 29220607). This variant is not present in population databases (gnomAD no frequency). This variant has not been reported in the literature in individuals affected with POC1B-related conditions. For these reasons, this variant has been classified as Pathogenic.

Literature cited by the submitters: PubMed 25018096; PubMed 29220607.